The following is an entry in ClinVar:

ClinVar aggregate classification (germline): Likely pathogenic. Review status: criteria provided, multiple submitters, no conflicts (2 of 4 stars). 3 submissions from 3 submitters: Likely pathogenic (3). Last evaluated 2024-02-19.

Conditions:
Xanthinuria type II. Also called: Xanthine dehydrogenase and aldehyde oxidase combined deficiency of; XDH and AOX dual deficiency. Identifiers: Orphanet 3467, Orphanet 93602, MedGen C1863688, MONDO:0011346, OMIM 603592.

Allele frequency attached by ClinVar (database versions not stated): TOPMed 0.00003; gnomAD 0.00001.
gnomAD v4.1: 3 of 1,612,976 alleles (0.00019%); highest among the groups gnomAD compares: Admixed American, 0.0033%; no homozygotes.

Submissions (3):

Breakthrough Genomics
Classification: Likely pathogenic for Xanthinuria type II. Last evaluated: 2024-02-19. Review status: criteria provided, single submitter. Criteria: ACMG Guidelines, 2015. Collection method: clinical testing. Allele origin: germline. Affected: yes.
Comment: In silico splice prediction tools (SpliceAI, ASSP and NNSPLICE) suggest that this variant might affect splicing due to the loss of constitutive splice site and introduction of a new splice site, which in turn might lead to a frameshift and consequent premature termination of the protein; this will likely result in loss-of-function. The variant is not found in the Genome Aggregation Database (gnomAD) and not reported in individuals affected with MOCOS-related conditions in the literature. However, loss-of-function variants in MOCOS are known to be pathogenic [PMID: 11302742, 17368066].

Fulgent Genetics
Classification: Likely pathogenic for Xanthinuria type II. Last evaluated: 2024-02-05. Review status: criteria provided, single submitter. Criteria: ACMG Guidelines, 2015. Collection method: clinical testing. Allele origin: germline.

Labcorp Genetics (formerly Invitae), Labcorp
Classification: Likely pathogenic for Xanthinuria type II. Last evaluated: 2022-03-19. Review status: criteria provided, single submitter. Criteria: Invitae Variant Classification Sherloc (09022015). Collection method: clinical testing. Allele origin: germline.
Comment: Algorithms developed to predict the effect of sequence changes on RNA splicing suggest that this variant may disrupt the consensus splice site. In summary, the currently available evidence indicates that the variant is pathogenic, but additional data are needed to prove that conclusively. Therefore, this variant has been classified as Likely Pathogenic. This sequence change affects a donor splice site in intron 6 of the MOCOS gene. It is expected to disrupt RNA splicing. Variants that disrupt the donor or acceptor splice site typically lead to a loss of protein function (PMID: 16199547), and loss-of-function variants in MOCOS are known to be pathogenic (PMID: 11302742, 17368066). This variant is not present in population databases (gnomAD no frequency). This variant has not been reported in the literature in individuals affected with MOCOS-related conditions.

Literature cited by the submitters: PubMed 16199547 (cited by Labcorp Genetics (formerly Invitae), Labcorp); PubMed 11302742 (cited by Labcorp Genetics (formerly Invitae), Labcorp); PubMed 17368066 (cited by Labcorp Genetics (formerly Invitae), Labcorp).

NM_017947.4(MOCOS):c.1218+1G>C

Gene: MOCOS (molybdenum cofactor sulfurase; plus strand). Cytogenetic location: 18q12.2.
Variant type: single nucleotide variant.
Coding change: c.1218+1G>C on transcript NM_017947.4 (MANE Select); the canonical splice donor site of the intron after coding-DNA position 1218, G replaced by C.
Molecular consequence: splice donor variant.
Genome position (GRCh38, 1-based): chr18:36,205,277, G>C. VCF-style: chr18-36205277-G-C. GRCh37 (hg19) VCF-style: chr18-33785240-G-C.
Identifiers: ClinVar variation 2072695 (VCV002072695.7), dbSNP rs1362463869, ClinGen allele CA402218293.